The following is an entry in ClinVar:

ClinVar aggregate classification (germline): Uncertain significance. Review status: criteria provided, multiple submitters, no conflicts (2 of 4 stars). 2 submissions from 2 submitters: Uncertain significance (2). Last evaluated 2023-10-13.

Conditions:
Inborn genetic diseases. Identifiers: MedGen C0950123, MeSH D030342.

Allele frequency attached by ClinVar (database versions not stated): 1000 Genomes Project 30x 0.00016; TOPMed 0.00019; 1000 Genomes Project 0.00020; ExAC 0.00021; gnomAD 0.00023; ESP Exome Variant Server 0.00031.
gnomAD v4.1: 218 of 1,613,970 alleles (0.014%); highest among the groups gnomAD compares: African/African-American, 0.036%; no homozygotes.

Submissions (2):

Labcorp Genetics (formerly Invitae), Labcorp
Classification: Uncertain significance. Last evaluated: 2023-10-13. Review status: criteria provided, single submitter. Criteria: Invitae Variant Classification Sherloc (09022015). Collection method: clinical testing. Allele origin: germline.
Comment: This sequence change replaces arginine, which is basic and polar, with glutamine, which is neutral and polar, at codon 502 of the GALNT2 protein (p.Arg502Gln). This variant is present in population databases (rs144216012, gnomAD 0.1%). This variant has not been reported in the literature in individuals affected with GALNT2-related conditions. ClinVar contains an entry for this variant (Variation ID: 2186559). An algorithm developed to predict the effect of missense changes on protein structure and function (PolyPhen-2) suggests that this variant is likely to be tolerated. In summary, the available evidence is currently insufficient to determine the role of this variant in disease. Therefore, it has been classified as a Variant of Uncertain Significance.

Ambry Genetics
Classification: Uncertain significance for Inborn genetic diseases. Last evaluated: 2021-12-15. Review status: criteria provided, single submitter. Criteria: Ambry Variant Classification Scheme 2023. Collection method: clinical testing. Allele origin: germline.

NM_004481.5(GALNT2):c.1505G>A (p.Arg502Gln)

Gene: GALNT2 (polypeptide N-acetylgalactosaminyltransferase 2; plus strand). Cytogenetic location: 1q42.13.
Variant type: single nucleotide variant.
Coding change: c.1505G>A on transcript NM_004481.5 (MANE Select); coding-DNA position 1505, G replaced by A.
Protein change: p.Arg502Gln; replaces arginine 502 with glutamine.
Molecular consequence: missense variant.
Genome position (GRCh38, 1-based): chr1:230,274,509, G>A. VCF-style: chr1-230274509-G-A. GRCh37 (hg19) VCF-style: chr1-230410255-G-A.
Other names: c.1391G>A, p.Arg464Gln (NM_001291866.2); c.1505G>A (NM_004481.3); short protein forms R464Q, R502Q.
Identifiers: ClinVar variation 2186559 (VCV002186559.5), dbSNP rs144216012, ClinGen allele CA1446533.